The following is an entry in ClinVar:

ClinVar aggregate classification (germline): Uncertain significance (1 of 4 stars; one submission).

Conditions:
Lower motor neuron syndrome with late-adult onset (SMAJ). Also called: Spinal muscular atrophy, Jokela type; Late-Onset Spinal Motor Neuronopathy (SMAJ). Identifiers: Orphanet 276435, MedGen C3554398, MONDO:0014025, OMIM 615048.
Frontotemporal dementia and/or amyotrophic lateral sclerosis 2. Also called: FTDALS2. Identifiers: Orphanet 275872, MedGen C4014648, MONDO:0014395, OMIM 615911.
Autosomal dominant mitochondrial myopathy with exercise intolerance (IMMD). Also called: Myopathy, isolated mitochondrial, autosomal dominant. Identifiers: Orphanet 457050, MedGen C4015513, MONDO:0014532, OMIM 616209.

Submission:

Labcorp Genetics (formerly Invitae), Labcorp
Classification: Uncertain significance for Lower motor neuron syndrome with late-adult onset; Frontotemporal dementia and/or amyotrophic lateral sclerosis 2; Autosomal dominant mitochondrial myopathy with exercise intolerance. Last evaluated: 2025-04-18. Review status: criteria provided, single submitter. Criteria: Invitae Variant Classification Sherloc (09022015). Collection method: clinical testing. Allele origin: germline.
Comment: This sequence change falls in intron 1 of the CHCHD10 gene. It does not directly change the encoded amino acid sequence of the CHCHD10 protein. It affects a nucleotide within the consensus splice site. This variant is not present in population databases (gnomAD no frequency). This variant has not been reported in the literature in individuals affected with CHCHD10-related conditions. Variants that disrupt the consensus splice site are a relatively common cause of aberrant splicing (PMID: 17576681, 9536098). Algorithms developed to predict the effect of sequence changes on RNA splicing suggest that this variant is not likely to affect RNA splicing. In summary, the available evidence is currently insufficient to determine the role of this variant in disease. Therefore, it has been classified as a Variant of Uncertain Significance.

Literature cited by the submitters: PubMed 17576681; PubMed 9536098.

NM_213720.3(CHCHD10):c.41+3G>A

Gene: CHCHD10 (coiled-coil-helix-coiled-coil-helix domain containing 10; minus strand). Cytogenetic location: 22q11.23.
Variant type: single nucleotide variant.
Coding change: c.41+3G>A on transcript NM_213720.3 (MANE Select); 3 bases into the intron after coding-DNA position 41, G replaced by A.
Molecular consequence: intron variant.
Genome position (GRCh38, 1-based): chr22:23,767,831, C>T on the plus strand (G>A on the coding strand, the complement: CHCHD10 is on the minus strand). VCF-style: chr22-23767831-C-T. GRCh37 (hg19) VCF-style: chr22-24110018-C-T.
Other names: c.41+3G>A (NM_001301339.2).
Identifiers: ClinVar variation 4790561 (VCV004790561.1).